The following is an entry in ClinVar:

ClinVar aggregate classification (germline): Benign. Review status: criteria provided, multiple submitters, no conflicts (2 of 4 stars). 11 submissions from 11 submitters: Benign (9). 2 of the submissions do not count toward it. Last evaluated 2026-02-04.

Conditions:
Glycogen storage disease type III (GSD3). Also called: FORBES DISEASE; Cori disease. Identifiers: Orphanet 366, MedGen C0017922, MONDO:0009291, OMIM 232400.

Allele frequency attached by ClinVar (database versions not stated): gnomAD exomes 0.70824 and 0.71661; ExAC 0.72141; gnomAD 0.75920 and 0.76251; 1000 Genomes Project 0.76258; TOPMed 0.76610; 1000 Genomes Project 30x 0.76624; ESP Exome Variant Server 0.76711.
gnomAD v4.1: 1,147,810 of 1,609,158 alleles (71%); highest among the groups gnomAD compares: African/African-American, 92%; 411,934 homozygotes.

Submissions (11):

Labcorp Genetics (formerly Invitae), Labcorp
Classification: Benign for Glycogen storage disease type III. Last evaluated: 2026-02-04. Review status: criteria provided, single submitter. Criteria: Invitae Variant Classification Sherloc (09022015). Collection method: clinical testing. Allele origin: germline.

Blueprint Genetics
Classification: Benign. Last evaluated: 2024-11-26. Review status: criteria provided, single submitter. Criteria: ACMG Guidelines, 2015. Collection method: clinical testing. Allele origin: germline.

Genome-Nilou Lab
Classification: Benign for Glycogen storage disease type III. Last evaluated: 2021-07-14. Review status: criteria provided, single submitter. Criteria: ACMG Guidelines, 2015. Collection method: clinical testing. Allele origin: germline. Affected: no.

Illumina Laboratory Services, Illumina
Classification: Benign for Glycogen storage disease type III. Last evaluated: 2018-01-12. Review status: criteria provided, single submitter. Criteria: ICSL Variant Classification Criteria 13 December 2019. Collection method: clinical testing. Allele origin: germline.
Comment: This variant was observed in the ICSL laboratory as part of a predisposition screen in an ostensibly healthy population. It had not been previously curated by ICSL or reported in the Human Gene Mutation Database (HGMD: prior to June 1st, 2018), and was therefore a candidate for classification through an automated scoring system. Utilizing variant allele frequency, disease prevalence and penetrance estimates, and inheritance mode, an automated score was calculated to assess if this variant is too frequent to cause the disease. Based on the score and internal cut-off values, a variant classified as benign is not then subjected to further curation. The score for this variant resulted in a classification of benign for this disease.

Phosphorus, Inc.
Classification: Benign for Glycogen storage disease type III. Last evaluated: 2017-08-01. Review status: criteria provided, single submitter. Criteria: ACMG Guidelines, 2015. Collection method: clinical testing. Allele origin: germline. Observed: 22 variant alleles.

GeneDx
Classification: Benign. Last evaluated: 2015-12-02. Review status: criteria provided, single submitter. Criteria: GeneDx Variant Classification (06012015). Collection method: clinical testing. Allele origin: germline. Affected: yes.
Comment: This variant is considered likely benign or benign based on one or more of the following criteria: it is a conservative change, it occurs at a poorly conserved position in the protein, it is predicted to be benign by multiple in silico algorithms, and/or has population frequency not consistent with disease.

Eurofins Ntd Llc (ga)
Classification: Benign. Last evaluated: 2014-07-10. Review status: criteria provided, single submitter. Criteria: EGL Classification Definitions 2015. Collection method: clinical testing. Allele origin: germline. Observed: 1 variant allele, 1 heterozygote.

Breakthrough Genomics
Classification: Benign. Review status: criteria provided, single submitter. Criteria: ACMG Guidelines, 2015. Collection method: not provided. Allele origin: germline. Inheritance: Autosomal recessive inheritance. Affected: yes.

PreventionGenetics, part of Exact Sciences
Classification: Benign. Review status: criteria provided, single submitter. Criteria: ACMG Guidelines, 2015. Collection method: clinical testing. Allele origin: germline.

Natera, Inc.
Classification: Benign for Glycogen storage disease type III. Last evaluated: 2020-09-16. Review status: no assertion criteria provided. Collection method: clinical testing. Allele origin: germline. Not counted in ClinVar's aggregate classification.

Mayo Clinic Laboratories, Mayo Clinic
Classification: Benign. Last evaluated: 2015-10-22. Review status: no assertion criteria provided. Collection method: clinical testing. Allele origin: unknown. Not counted in ClinVar's aggregate classification.

NM_000642.3(AGL):c.894C>T (p.Leu298=)

Gene: AGL (amylo-alpha-1,6-glucosidase and 4-alpha-glucanotransferase; plus strand). Cytogenetic location: 1p21.2.
Variant type: single nucleotide variant.
Coding change: c.894C>T on transcript NM_000642.3 (MANE Select); coding-DNA position 894, C replaced by T.
Protein change: p.Leu298=; no amino-acid change (leucine 298 retained).
Molecular consequence: synonymous variant.
Genome position (GRCh38, 1-based): chr1:99,870,805, C>T. VCF-style: chr1-99870805-C-T. GRCh37 (hg19) VCF-style: chr1-100336361-C-T.
Other names: c.894C>T, p.Leu298= (NM_000028.3, NM_000643.3, NM_000644.3 and 3 more transcripts); c.846C>T, p.Leu282= (NM_000646.3); c.690C>T, p.Leu230= (NM_001425328.1, NM_001425329.1); c.516C>T, p.Leu172= (NM_001425332.1).
Identifiers: ClinVar variation 198432 (VCV000198432.26), dbSNP rs2230306, ClinGen allele CA203429.
Genomic context (GRCh38, chr1:99,870,805, plus strand): 5'-TGACATTTTTCAGTCCATCCGAAAAATAATTTGGGAGGATATTTTTCCAAAGCTTAAACT[C>T]TGGGAATTTTTCCAAGTAGATGTCAACAAAGCGGTTGAGCAATTTAGAAGACTTCTTACA-3'
Protein context (NP_000633.2, residues 288-308): IWEDIFPKLK[Leu298=]WEFFQVDVNK